The following is an entry in ClinVar:

ClinVar aggregate classification (germline): Benign/Likely benign. Review status: criteria provided, multiple submitters, no conflicts (2 of 4 stars). 3 submissions from 3 submitters: Benign (1); Likely benign (2). Last evaluated 2025-08-10.

Conditions:
Ataxia-telangiectasia syndrome (AT). Also called: Cerebello-oculocutaneous telangiectasia; Immunodeficiency with ataxia telangiectasia; Ataxia-telangiectasia, complementation group E; Ataxia-telangiectasia, complementation group D; AT, COMPLEMENTATION GROUP C; ATAXIA-TELANGIECTASIA, COMPLEMENTATION GROUP A. Identifiers: Orphanet 100, MedGen C0004135, MONDO:0008840, OMIM 208900.
Hereditary cancer-predisposing syndrome. Also called: Hereditary Cancer Syndrome; Neoplastic Syndromes, Hereditary; Hereditary neoplastic syndrome; Tumor predisposition. Identifiers: Orphanet 140162, MedGen C0027672, MeSH D009386, MONDO:0015356.
Familial cancer of breast. Also called: Hereditary breast cancer; hereditary breast carcinoma; BREAST CANCER, FAMILIAL. Identifiers: Orphanet 227535, MedGen C0346153, MONDO:0016419, OMIM 114480. Disease mechanism: loss of function.

Submissions (3):

Labcorp Genetics (formerly Invitae), Labcorp
Classification: Likely benign for Ataxia-telangiectasia syndrome. Last evaluated: 2025-08-10. Review status: criteria provided, single submitter. Criteria: Invitae Variant Classification Sherloc (09022015). Collection method: clinical testing. Allele origin: germline.

Myriad Genetics, Inc.
Classification: Benign for Familial cancer of breast. Last evaluated: 2024-04-26. Review status: criteria provided, single submitter. Criteria: Myriad Autosomal Dominant, Autosomal Recessive and X-Linked Classification Criteria (2023). Collection method: clinical testing. Allele origin: unknown.
Comment: This variant is considered benign. This variant is a silent/synonymous amino acid change and it is not expected to impact splicing.

Ambry Genetics
Classification: Likely benign for Hereditary cancer-predisposing syndrome. Last evaluated: 2017-11-27. Review status: criteria provided, single submitter. Criteria: Ambry Variant Classification Scheme 2023. Collection method: clinical testing. Allele origin: germline.

NM_000051.4(ATM):c.1275A>G (p.Ala425=)

Gene: ATM (ATM serine/threonine kinase; plus strand). Cytogenetic location: 11q22.3.
Variant type: single nucleotide variant.
Coding change: c.1275A>G on transcript NM_000051.4 (MANE Select); coding-DNA position 1275, A replaced by G.
Protein change: p.Ala425=; no amino-acid change (alanine 425 retained).
Molecular consequence: synonymous variant.
Genome position (GRCh38, 1-based): chr11:108,250,740, A>G. VCF-style: chr11-108250740-A-G. GRCh37 (hg19) VCF-style: chr11-108121467-A-G.
Other names: c.1275A>G, p.Ala425= (NM_001351834.2).
Identifiers: ClinVar variation 818772 (VCV000818772.13), dbSNP rs1591523031, ClinGen allele CA476671886.
Genomic context (GRCh38, chr11:108,250,740, plus strand): 5'-ATCCTTTTTTTTTTTTTTTAGGCTACAGATTGCAACCCAATTAATATCAAAGTATCCTGC[A>G]AGTTTACCTAACTGTGAGCTGTCTCCATTACTGATGATACTATCTCAGCTTCTACCCCAA-3'
Protein context (NP_000042.3, residues 415-435): IATQLISKYP[Ala425=]SLPNCELSPL